The following is an entry in ClinVar:

NM_004667.6(HERC2):c.3571A>G (p.Ile1191Val)

Gene: HERC2 (HECT and RLD domain containing E3 ubiquitin protein ligase 2; minus strand). Cytogenetic location: 15q13.1.
Variant type: single nucleotide variant.
Coding change: c.3571A>G on transcript NM_004667.6 (MANE Select); coding-DNA position 3571, A replaced by G.
Protein change: p.Ile1191Val; replaces isoleucine 1191 with valine.
Molecular consequence: missense variant.
Genome position (GRCh38, 1-based): chr15:28,245,887, T>C on the plus strand (A>G on the coding strand, the complement: HERC2 is on the minus strand). VCF-style: chr15-28245887-T-C. GRCh37 (hg19) VCF-style: chr15-28491033-T-C.
Other names: short protein forms I1191V.
Identifiers: ClinVar variation 4883099 (VCV004883099.2).

ClinVar aggregate classification (germline): Uncertain significance (1 of 4 stars; one submission).

Conditions:
Developmental delay with autism spectrum disorder and gait instability (MRT38). Also called: Intellectual developmental disorder, autosomal recessive 38. Identifiers: Orphanet 329195, MedGen C3809753, MONDO:0014224, OMIM 615516.

Submission:

Dasa
Classification: Uncertain significance for Developmental delay with autism spectrum disorder and gait instability. Last evaluated: 2025-08-20. Review status: criteria provided, single submitter. Criteria: DASA Assertion Criteria. Collection method: clinical testing. Allele origin: germline.
Comment: NM_004667.6(HERC2):c.3571A>G (p.Ile1191Val) is a missense variant that results in the substitution of isoleucine with valine. This variant is rare in population databases. Computational prediction algorithms are consistent with a benign effect. The currently available literature and clinical evidence are not sufficient to establish a definitive association between this variant and the reported condition. Therefore, this variant is classified as a variant of uncertain significance.